The following is an entry in ClinVar:

ClinVar aggregate classification (germline): Uncertain significance. Review status: criteria provided, multiple submitters, no conflicts (2 of 4 stars). 2 submissions from 2 submitters: Uncertain significance (2). Last evaluated 2025-08-24.

Allele frequency attached by ClinVar (database versions not stated): gnomAD exomes 0.00007 and 0.00008; ESP Exome Variant Server 0.00008; gnomAD 0.00013; TOPMed 0.00014; ExAC 0.00015; 1000 Genomes Project 30x 0.00016; 1000 Genomes Project 0.00020.

Submissions (2):

Ambry Genetics
Classification: Uncertain significance. Last evaluated: 2025-08-24. Review status: criteria provided, single submitter. Criteria: Ambry Variant Classification Scheme 2023. Collection method: clinical testing. Allele origin: germline.

Labcorp Genetics (formerly Invitae), Labcorp
Classification: Uncertain significance. Last evaluated: 2025-01-20. Review status: criteria provided, single submitter. Criteria: Invitae Variant Classification Sherloc (09022015). Collection method: clinical testing. Allele origin: germline.
Comment: This sequence change replaces arginine, which is basic and polar, with cysteine, which is neutral and slightly polar, at codon 86 of the PLEKHG2 protein (p.Arg86Cys). This variant is present in population databases (rs142140091, gnomAD 0.02%). This variant has not been reported in the literature in individuals affected with PLEKHG2-related conditions. ClinVar contains an entry for this variant (Variation ID: 1449995). An algorithm developed to predict the effect of missense changes on protein structure and function (PolyPhen-2) suggests that this variant is likely to be disruptive. In summary, the available evidence is currently insufficient to determine the role of this variant in disease. Therefore, it has been classified as a Variant of Uncertain Significance.

NM_022835.3(PLEKHG2):c.256C>T (p.Arg86Cys)

Gene: PLEKHG2 (pleckstrin homology and RhoGEF domain containing G2; plus strand). Cytogenetic location: 19q13.2.
Variant type: single nucleotide variant.
Coding change: c.256C>T on transcript NM_022835.3 (MANE Select); coding-DNA position 256, C replaced by T.
Protein change: p.Arg86Cys; replaces arginine 86 with cysteine.
Molecular consequence: missense variant. On other transcripts: intron variant (1).
Genome position (GRCh38, 1-based): chr19:39,415,138, C>T. VCF-style: chr19-39415138-C-T. GRCh37 (hg19) VCF-style: chr19-39905778-C-T.
Other names: c.256C>T, p.Arg86Cys (NM_001351694.2); c.110-31C>T (NM_001351693.2); c.256C>T (NM_022835.2); short protein forms R86C.
Identifiers: ClinVar variation 1449995 (VCV001449995.11), dbSNP rs142140091, ClinGen allele CA9429011.